The following is an entry in ClinVar:

ClinVar aggregate classification (germline): Uncertain significance (1 of 4 stars; one submission).

Submission:

Labcorp Genetics (formerly Invitae), Labcorp
Classification: Uncertain significance. Last evaluated: 2021-09-25. Review status: criteria provided, single submitter. Criteria: Invitae Variant Classification Sherloc (09022015). Collection method: clinical testing. Allele origin: germline.
Comment: This sequence change replaces isoleucine with methionine at codon 438 of the HPS3 protein (p.Ile438Met). The isoleucine residue is weakly conserved and there is a small physicochemical difference between isoleucine and methionine. This variant is not present in population databases (ExAC no frequency). This variant has not been reported in the literature in individuals affected with HPS3-related conditions. Algorithms developed to predict the effect of missense changes on protein structure and function are either unavailable or do not agree on the potential impact of this missense change (SIFT: "Deleterious"; PolyPhen-2: "Benign"; Align-GVGD: "Class C0"). In summary, the available evidence is currently insufficient to determine the role of this variant in disease. Therefore, it has been classified as a Variant of Uncertain Significance.

NM_032383.5(HPS3):c.1314C>G (p.Ile438Met)

Gene: HPS3 (HPS3 biogenesis of lysosomal organelles complex 2 subunit 1; plus strand). Cytogenetic location: 3q24.
Variant type: single nucleotide variant.
Coding change: c.1314C>G on transcript NM_032383.5 (MANE Select); coding-DNA position 1314, C replaced by G.
Protein change: p.Ile438Met; replaces isoleucine 438 with methionine.
Molecular consequence: missense variant.
Genome position (GRCh38, 1-based): chr3:149,153,562, C>G. VCF-style: chr3-149153562-C-G. GRCh37 (hg19) VCF-style: chr3-148871349-C-G.
Other names: c.819C>G, p.Ile273Met (NM_001308258.2); short protein forms I438M, I273M.
Identifiers: ClinVar variation 1400905 (VCV001400905.3), dbSNP rs2108152737, ClinGen allele CA354919158.